The following is an entry in ClinVar:

NM_032043.3(BRIP1):c.3092C>T (p.Ser1031Phe)

Gene: BRIP1 (BRCA1 interacting DNA helicase 1; minus strand). Cytogenetic location: 17q23.2.
Variant type: single nucleotide variant.
Coding change: c.3092C>T on transcript NM_032043.3 (MANE Select); coding-DNA position 3092, C replaced by T.
Protein change: p.Ser1031Phe; replaces serine 1031 with phenylalanine.
Molecular consequence: missense variant.
Genome position (GRCh38, 1-based): chr17:61,683,954, G>A on the plus strand (C>T on the coding strand, the complement: BRIP1 is on the minus strand). VCF-style: chr17-61683954-G-A. GRCh37 (hg19) VCF-style: chr17-59761315-G-A.
Other names: short protein forms S1031F.
Identifiers: ClinVar variation 3993103 (VCV003993103.1).
Genomic context (GRCh38, chr17:61,683,954, plus strand): 5'-TCAGTGAAGGGCAAAACAGTTTTACTTTCCATCTTCTCTGTTTTGAAACGGGGAGGACTA[G>A]AGGCACTATTCTCTGATGACCCGAGCTCAGGTGTTGCCTTCGGTATTTTACCAGTAAAAT-3'
Protein context (NP_114432.2, residues 1021-1041): PELGSSENSA[Ser1031Phe]SPPRFKTEKM

ClinVar aggregate classification (germline): Uncertain significance (1 of 4 stars; one submission).

Conditions:
Hereditary cancer-predisposing syndrome. Also called: Tumor predisposition; Hereditary neoplastic syndrome; Neoplastic Syndromes, Hereditary; Hereditary Cancer Syndrome. Identifiers: Orphanet 140162, MedGen C0027672, MeSH D009386, MONDO:0015356.

Submission:

Ambry Genetics
Classification: Uncertain significance for Hereditary cancer-predisposing syndrome. Last evaluated: 2025-05-15. Review status: criteria provided, single submitter. Criteria: Ambry Variant Classification Scheme 2023. Collection method: clinical testing. Allele origin: germline.
Comment: The p.S1031F variant (also known as c.3092C>T), located in coding exon 19 of the BRIP1 gene, results from a C to T substitution at nucleotide position 3092. The serine at codon 1031 is replaced by phenylalanine, an amino acid with highly dissimilar properties. This amino acid position is conserved. In addition, this alteration is predicted to be tolerated by in silico analysis. Based on the available evidence, the clinical significance of this variant remains unclear.